The following is an entry in ClinVar:

NM_000939.4(POMC):c.280AGCAGCGGC[11] (p.Gly99_Ala100insSerSerGlySerSerGlySerSerGlySerSerGlySerSerGlySerSerGlySerSerGlySerSerGlySerSerGly)

Gene: POMC (proopiomelanocortin; minus strand). Cytogenetic location: 2p23.3.
Variant type: Microsatellite.
Coding change: c.280AGCAGCGGC[11] on transcript NM_000939.4 (MANE Select); 11 copies in a row of the 9-base unit AGCAGCGGC starting at c.280.
Protein change: p.Gly99_Ala100insSerSerGlySerSerGlySerSerGlySerSerGlySerSerGlySerSerGlySerSerGlySerSerGlySerSerGly.
Molecular consequence: inframe insertion.
Genome position: GRCh38, VCF-style position (the base before the change): chr2:25,161,587. GRCh37 (hg19), VCF-style position (the base before the change): chr2:25,384,456.
Other names: c.280AGCAGCGGC[11], p.Gly99_Ala100insSerSerGlySerSerGlySerSerGlySerSerGlySerSerGlySerSerGlySerSerGlySerSerGlySerSerGly (NM_001035256.3, NM_001319204.2, NM_001319205.2).
Identifiers: ClinVar variation 2167896 (VCV002167896.1), dbSNP rs10654394, ClinGen allele CA531760855.

ClinVar aggregate classification (germline): Uncertain significance (1 of 4 stars; one submission).

Submission:

Labcorp Genetics (formerly Invitae), Labcorp
Classification: Uncertain significance. Last evaluated: 2022-04-08. Review status: criteria provided, single submitter. Criteria: Invitae Variant Classification Sherloc (09022015). Collection method: clinical testing. Allele origin: germline.
Comment: This variant, c.297_298ins81, results in the insertion of 27 amino acid(s) of the POMC protein (p.Gly99_Ala100ins27), but otherwise preserves the integrity of the reading frame. This variant is present in population databases (no rsID available, gnomAD 0.08%). This variant has not been reported in the literature in individuals affected with POMC-related conditions. Experimental studies and prediction algorithms are not available or were not evaluated, and the functional significance of this variant is currently unknown. In summary, the available evidence is currently insufficient to determine the role of this variant in disease. Therefore, it has been classified as a Variant of Uncertain Significance.